The following is an entry in ClinVar:

ClinVar aggregate classification (germline): Pathogenic (1 of 4 stars; one submission).

Conditions:
3-Oxo-5 alpha-steroid delta 4-dehydrogenase deficiency (PPSH). Also called: MALE PSEUDOHERMAPHRODITISM DUE TO 5-ALPHA-REDUCTASE DEFICIENCY; PSEUDOVAGINAL PERINEOSCROTAL HYPOSPADIAS; FAMILIAL INCOMPLETE MALE PSEUDOHERMAPHRODITISM, TYPE 2; 46,XY disorder of sex development due to 5-alpha-reductase 2 deficiency. Identifiers: Orphanet 753, MedGen C0268297, MONDO:0009923, OMIM 264600. Disease mechanism: loss of function.

Submission:

Labcorp Genetics (formerly Invitae), Labcorp
Classification: Pathogenic for 3-Oxo-5 alpha-steroid delta 4-dehydrogenase deficiency. Last evaluated: 2021-02-10. Review status: criteria provided, single submitter. Criteria: Invitae Variant Classification Sherloc (09022015). Collection method: clinical testing. Allele origin: germline.
Comment: For these reasons, this variant has been classified as Pathogenic. This variant disrupts the p.Ala228 amino acid residue in SRD5A2. Other variant(s) that disrupt this residue have been determined to be pathogenic (PMID: 8723114, 8784107, 9843052, 23633205, Invitae). This suggests that this residue is clinically significant, and that variants that disrupt this residue are likely to be disease-causing. Algorithms developed to predict the effect of missense changes on protein structure and function are either unavailable or do not agree on the potential impact of this missense change (SIFT: "Not Available"; PolyPhen-2: "Not Available"; Align-GVGD: "Not Available"). This variant has been observed in individual(s) with steroid 5 alpha-reductase 2 deficiency (PMID: 20736251, 24665940). In at least one individual the data is consistent with the variant being in trans (on the opposite chromosome) from a pathogenic variant. ClinVar contains an entry for this variant (Variation ID: 459642). This variant is not present in population databases (ExAC no frequency). This sequence change replaces alanine with valine at codon 228 of the SRD5A2 protein (p.Ala228Val). The alanine residue is highly conserved and there is a small physicochemical difference between alanine and valine.

Literature cited by the submitters: PubMed 8723114; PubMed 8784107; PubMed 9843052; PubMed 23633205; PubMed 20736251; PubMed 24665940.

NM_000348.4(SRD5A2):c.683C>T (p.Ala228Val)

Gene: SRD5A2 (steroid 5 alpha-reductase 2; minus strand). Cytogenetic location: 2p23.1.
Variant type: single nucleotide variant.
Coding change: c.683C>T on transcript NM_000348.4 (MANE Select); coding-DNA position 683, C replaced by T.
Protein change: p.Ala228Val; replaces alanine 228 with valine.
Molecular consequence: missense variant.
Genome position (GRCh38, 1-based): chr2:31,529,322, G>A on the plus strand (C>T on the coding strand, the complement: SRD5A2 is on the minus strand). VCF-style: chr2-31529322-G-A. GRCh37 (hg19) VCF-style: chr2-31754392-G-A.
Other names: short protein forms A228V.
Identifiers: ClinVar variation 459642 (VCV000459642.7), dbSNP rs1553323488, ClinGen allele CA346597874.